The following is an entry in ClinVar:

NM_177972.3(TUB):c.185G>T (p.Arg62Leu)

Gene: TUB (TUB bipartite transcription factor; plus strand). Cytogenetic location: 11p15.4.
Variant type: single nucleotide variant.
Coding change: c.185G>T on transcript NM_177972.3 (MANE Select); coding-DNA position 185, G replaced by T.
Protein change: p.Arg62Leu; replaces arginine 62 with leucine.
Molecular consequence: missense variant.
Genome position (GRCh38, 1-based): chr11:8,090,163, G>T. VCF-style: chr11-8090163-G-T. GRCh37 (hg19) VCF-style: chr11-8111710-G-T.
Other names: c.350G>T (NM_003320.4); c.350G>T, p.Arg117Leu (NM_003320.5); short protein forms R117L, R62L.
Identifiers: ClinVar variation 1494002 (VCV001494002.7), dbSNP rs533484598, ClinGen allele CA5870988.

ClinVar aggregate classification (germline): Uncertain significance. Review status: criteria provided, multiple submitters, no conflicts (2 of 4 stars). 3 submissions from 3 submitters: Uncertain significance (3). Last evaluated 2024-09-04.

Submissions (3):

Ambry Genetics
Classification: Uncertain significance. Last evaluated: 2024-09-04. Review status: criteria provided, single submitter. Criteria: Ambry Variant Classification Scheme 2023. Collection method: clinical testing. Allele origin: germline.

Blueprint Genetics
Classification: Uncertain significance. Last evaluated: 2023-02-24. Review status: criteria provided, single submitter. Criteria: ACMG Guidelines, 2015. Collection method: clinical testing. Allele origin: germline.

Labcorp Genetics (formerly Invitae), Labcorp
Classification: Uncertain significance. Last evaluated: 2022-10-24. Review status: criteria provided, single submitter. Criteria: Invitae Variant Classification Sherloc (09022015). Collection method: clinical testing. Allele origin: germline.
Comment: This sequence change replaces arginine, which is basic and polar, with leucine, which is neutral and non-polar, at codon 117 of the TUB protein (p.Arg117Leu). This variant is present in population databases (rs533484598, gnomAD 0.04%). This variant has not been reported in the literature in individuals affected with TUB-related conditions. ClinVar contains an entry for this variant (Variation ID: 1494002). Algorithms developed to predict the effect of missense changes on protein structure and function are either unavailable or do not agree on the potential impact of this missense change (SIFT: "Deleterious"; PolyPhen-2: "Benign"; Align-GVGD: "Class C0"). In summary, the available evidence is currently insufficient to determine the role of this variant in disease. Therefore, it has been classified as a Variant of Uncertain Significance.